The following is an entry in ClinVar:

ClinVar aggregate classification (germline): Uncertain significance (1 of 4 stars; one submission).

Conditions:
NRP2-related disorder. Also called: NRP2-related condition.

gnomAD v4.1: 29 of 1,612,976 alleles (0.0018%); highest among the groups gnomAD compares: Non-Finnish European, 0.0021%; no homozygotes.

Submission:

PreventionGenetics, part of Exact Sciences
Classification: Uncertain significance for NRP2-related condition. Last evaluated: 2026-05-21. Review status: criteria provided, single submitter. Criteria: ACMG Guidelines, 2015. Collection method: clinical testing. Allele origin: germline.
Comment: The NRP2 c.2451G>T variant is predicted to result in the amino acid substitution p.Glu817Asp. To our knowledge, this variant has not been reported in the literature. This variant is reported in 0.0026% of alleles in individuals of European (Non-Finnish) descent in gnomAD. At this time, the clinical significance of this variant is uncertain due to the absence of conclusive functional and genetic evidence.

NM_003872.3(NRP2):c.2425+9468G>T

Gene: NRP2 (neuropilin 2; plus strand). Cytogenetic location: 2q33.3.
Variant type: single nucleotide variant.
Coding change: c.2425+9468G>T on transcript NM_003872.3 (MANE Select); 9468 bases into the intron after coding-DNA position 2425, G replaced by T.
Molecular consequence: intron variant. On other transcripts: missense variant (2).
Genome position (GRCh38, 1-based): chr2:205,776,271, G>T. VCF-style: chr2-205776271-G-T. GRCh37 (hg19) VCF-style: chr2-206640995-G-T.
Other names: c.2466G>T, p.Glu822Asp (NM_018534.4); c.2451G>T, p.Glu817Asp (NM_201267.2); c.2440+9453G>T (NM_201266.2); c.2425+9468G>T (NM_201279.2); short protein forms E817D, E822D.
Identifiers: ClinVar variation 3357682 (VCV003357682.2).